The following is an entry in ClinVar:

ClinVar aggregate classification (germline): Likely pathogenic (1 of 4 stars; one submission).

Conditions:
Episodic ataxia type 1 (EA1). Also called: PAROXYSMAL ATAXIA WITH NEUROMYOTONIA, HEREDITARY; MYOKYMIA WITH PERIODIC ATAXIA; Episodic ataxia/myokymia syndrome; ATAXIA, EPISODIC, WITH MYOKYMIA. Identifiers: Orphanet 37612, Orphanet 972, MedGen C1719788, MONDO:0008047, OMIM 160120.

Submission:

Labcorp Genetics (formerly Invitae), Labcorp
Classification: Likely pathogenic for Episodic ataxia type 1. Last evaluated: 2025-06-04. Review status: criteria provided, single submitter. Criteria: Invitae Variant Classification Sherloc (09022015). Collection method: clinical testing. Allele origin: germline.
Comment: This sequence change replaces glutamic acid, which is acidic and polar, with glycine, which is neutral and non-polar, at codon 325 of the KCNA1 protein (p.Glu325Gly). This variant is not present in population databases (gnomAD no frequency). This missense change has been observed in individual(s) with clinical features of episodic ataxia (internal data). ClinVar contains an entry for this variant (Variation ID: 2759454). Invitae Evidence Modeling of protein sequence and biophysical properties (such as structural, functional, and spatial information, amino acid conservation, physicochemical variation, residue mobility, and thermodynamic stability) indicates that this missense variant is expected to disrupt KCNA1 protein function with a positive predictive value of 95%. This variant disrupts the p.Glu325 amino acid residue in KCNA1. Other variant(s) that disrupt this residue have been determined to be pathogenic (PMID: 8541859, 21307345). This suggests that this residue is clinically significant, and that variants that disrupt this residue are likely to be disease-causing. In summary, the currently available evidence indicates that the variant is pathogenic, but additional data are needed to prove that conclusively. Therefore, this variant has been classified as Likely Pathogenic.

Literature cited by the submitters: PubMed 8541859; PubMed 21307345.

NM_000217.3(KCNA1):c.974A>G (p.Glu325Gly)

Gene: KCNA1 (potassium voltage-gated channel subfamily A member 1; plus strand). Cytogenetic location: 12p13.32.
Variant type: single nucleotide variant.
Coding change: c.974A>G on transcript NM_000217.3 (MANE Select); coding-DNA position 974, A replaced by G.
Protein change: p.Glu325Gly; replaces glutamic acid 325 with glycine.
Molecular consequence: missense variant.
Genome position (GRCh38, 1-based): chr12:4,912,352, A>G. VCF-style: chr12-4912352-A-G. GRCh37 (hg19) VCF-style: chr12-5021518-A-G.
Other names: short protein forms E325G.
Identifiers: ClinVar variation 2759454 (VCV002759454.3), dbSNP rs2497353507, ClinGen allele CA383455756.
Genomic context (GRCh38, chr12:4,912,352, plus strand): 5'-TCTCCCGCCACTCTAAGGGCCTCCAGATCCTGGGCCAGACCCTCAAAGCTAGTATGAGAG[A>G]GCTAGGGCTGCTCATCTTTTTCCTCTTCATCGGGGTCATCCTGTTTTCTAGTGCAGTGTA-3'
Protein context (NP_000208.2, residues 315-335): LGQTLKASMR[Glu325Gly]LGLLIFFLFI